The following is an entry in ClinVar:

NM_020987.5(ANK3):c.1898C>T (p.Thr633Met)

Gene: ANK3 (ankyrin 3; minus strand). Cytogenetic location: 10q21.2.
Variant type: single nucleotide variant.
Coding change: c.1898C>T on transcript NM_020987.5 (MANE Select); coding-DNA position 1898, C replaced by T.
Protein change: p.Thr633Met; replaces threonine 633 with methionine.
Molecular consequence: missense variant.
Genome position (GRCh38, 1-based): chr10:60,186,902, G>A on the plus strand (C>T on the coding strand, the complement: ANK3 is on the minus strand). VCF-style: chr10-60186902-G-A. GRCh37 (hg19) VCF-style: chr10-61946660-G-A.
Other names: c.1880C>T, p.Thr627Met (NM_001204403.2); c.1847C>T, p.Thr616Met (NM_001204404.2); c.1898C>T, p.Thr633Met (NM_001320874.2); short protein forms T616M, T633M, T627M.
Identifiers: ClinVar variation 4777667 (VCV004777667.1).
Genomic context (GRCh38, chr10:60,186,902, plus strand): 5'-TATTCCAGCAGAGTTGTCGCTATGTCCATCTGGTTCTTTTTGGCAGCGATGTGCAGTGGC[G>A]TATAACCATTCTGTCAACACAAATCACTTGGTCACATGCCCAGGAACAAGATAAAAATGT-3'
Protein context (NP_066267.2, residues 623-643): SPHAAAKNGY[Thr633Met]PLHIAAKKNQ

ClinVar aggregate classification (germline): Uncertain significance (1 of 4 stars; one submission).

gnomAD v4.1: 12 of 1,613,846 alleles (0.00074%); highest among the groups gnomAD compares: African/African-American, 0.0067%; no homozygotes.

Submission:

Labcorp Genetics (formerly Invitae), Labcorp
Classification: Uncertain significance. Last evaluated: 2025-08-07. Review status: criteria provided, single submitter. Criteria: Invitae Variant Classification Sherloc (09022015). Collection method: clinical testing. Allele origin: germline.
Comment: This sequence change replaces threonine, which is neutral and polar, with methionine, which is neutral and non-polar, at codon 633 of the ANK3 protein (p.Thr633Met). This variant is present in population databases (rs753344992, gnomAD 0.007%). This variant has not been reported in the literature in individuals affected with ANK3-related conditions. Invitae Evidence Modeling of protein sequence and biophysical properties (such as structural, functional, and spatial information, amino acid conservation, physicochemical variation, residue mobility, and thermodynamic stability) has been performed for this missense variant. However, the output from this modeling did not meet the statistical confidence thresholds required to predict the impact of this variant on ANK3 protein function. In summary, the available evidence is currently insufficient to determine the role of this variant in disease. Therefore, it has been classified as a Variant of Uncertain Significance.